The following is an entry in ClinVar:

ClinVar aggregate classification (germline): Likely benign. Review status: criteria provided, multiple submitters, no conflicts (2 of 4 stars). 2 submissions from 2 submitters: Likely benign (2). Last evaluated 2018-06-19.

Allele frequency attached by ClinVar (database versions not stated): gnomAD exomes 0.01516; 1000 Genomes Project 0.01637; 1000 Genomes Project 30x 0.01686; gnomAD 0.01965; TOPMed 0.02204.

Submissions (2):

GeneDx
Classification: Likely benign. Last evaluated: 2018-06-19. Review status: criteria provided, single submitter. Criteria: GeneDx Variant Classification (06012015). Collection method: clinical testing. Allele origin: germline. Affected: yes.
Comment: This variant is considered likely benign or benign based on one or more of the following criteria: it is a conservative change, it occurs at a poorly conserved position in the protein, it is predicted to be benign by multiple in silico algorithms, and/or has population frequency not consistent with disease.

Breakthrough Genomics
Classification: Likely benign. Review status: criteria provided, single submitter. Criteria: ACMG Guidelines, 2015. Collection method: not provided. Allele origin: germline. Inheritance: Autosomal recessive inheritance. Affected: yes.

NM_032634.4(PIGO):c.939+97C>T

Gene: PIGO (phosphatidylinositol glycan anchor biosynthesis class O; minus strand). Cytogenetic location: 9p13.3.
Variant type: single nucleotide variant.
Coding change: c.939+97C>T on transcript NM_032634.4 (MANE Select); 97 bases into the intron after coding-DNA position 939, C replaced by T.
Molecular consequence: intron variant.
Genome position (GRCh38, 1-based): chr9:35,093,324, G>A on the plus strand (C>T on the coding strand, the complement: PIGO is on the minus strand). VCF-style: chr9-35093324-G-A. GRCh37 (hg19) VCF-style: chr9-35093321-G-A.
Other names: c.939+97C>T (NM_152850.4, NM_001201484.2).
Identifiers: ClinVar variation 673014 (VCV000673014.2), dbSNP rs75289720, ClinGen allele CA5040776.